The following is an entry in ClinVar:

NM_033337.3(CAV3):c.284T>A (p.Ile95Asn)

Genes: CAV3 (caveolin 3; plus strand), OXTR (oxytocin receptor; minus strand). Cytogenetic location: 3p25.3.
Variant type: single nucleotide variant.
Coding change: c.284T>A on transcript NM_033337.3 (MANE Select); coding-DNA position 284, T replaced by A.
Protein change: p.Ile95Asn; replaces isoleucine 95 with asparagine.
Molecular consequence: missense variant.
Genome position (GRCh38, 1-based): chr3:8,745,695, T>A. VCF-style: chr3-8745695-T-A. GRCh37 (hg19) VCF-style: chr3-8787381-T-A.
Other names: c.284T>A, p.Ile95Asn (NM_001234.5); short protein forms I95N.
Identifiers: ClinVar variation 1796820 (VCV001796820.4), dbSNP rs2470062438, ClinGen allele CA351663438.

ClinVar aggregate classification (germline): Uncertain significance. Review status: criteria provided, multiple submitters, no conflicts (2 of 4 stars). 2 submissions from 2 submitters: Uncertain significance (2). Last evaluated 2025-12-22.

Conditions:
Cardiovascular phenotype. Identifiers: MedGen CN230736.
Long QT syndrome (LQTS). Identifiers: MedGen C0023976, MeSH D008133, MONDO:0002442. Disease mechanism: loss of function. Inheritance: Various modes of inheritance.

Submissions (2):

Labcorp Genetics (formerly Invitae), Labcorp
Classification: Uncertain significance for Long QT syndrome. Last evaluated: 2025-12-22. Review status: criteria provided, single submitter. Criteria: Invitae Variant Classification Sherloc (09022015). Collection method: clinical testing. Allele origin: germline.
Comment: This sequence change replaces isoleucine, which is neutral and non-polar, with asparagine, which is neutral and polar, at codon 95 of the CAV3 protein (p.Ile95Asn). This variant is not present in population databases (gnomAD no frequency). This variant has not been reported in the literature in individuals affected with CAV3-related conditions. ClinVar contains an entry for this variant (Variation ID: 1796820). An algorithm developed to predict the effect of missense changes on protein structure and function (PolyPhen-2) suggests that this variant is likely to be disruptive. In summary, the available evidence is currently insufficient to determine the role of this variant in disease. Therefore, it has been classified as a Variant of Uncertain Significance.

Ambry Genetics
Classification: Uncertain significance for Cardiovascular phenotype. Last evaluated: 2024-10-21. Review status: criteria provided, single submitter. Criteria: Ambry Variant Classification Scheme 2023. Collection method: clinical testing. Allele origin: germline.
Comment: The p.I95N variant (also known as c.284T>A), located in coding exon 2 of the CAV3 gene, results from a T to A substitution at nucleotide position 284. The isoleucine at codon 95 is replaced by asparagine, an amino acid with dissimilar properties. This amino acid position is highly conserved in available vertebrate species. In addition, this alteration is predicted to be deleterious by in silico analysis. Since supporting evidence is limited at this time, the clinical significance of this alteration remains unclear.